The following is an entry in ClinVar:

NM_000038.6(APC):c.6454C>G (p.Pro2152Ala)

Gene: APC (APC regulator of Wnt signaling pathway; plus strand). Cytogenetic location: 5q22.2.
Variant type: single nucleotide variant.
Coding change: c.6454C>G on transcript NM_000038.6 (MANE Select); coding-DNA position 6454, C replaced by G.
Protein change: p.Pro2152Ala; replaces proline 2152 with alanine.
Molecular consequence: missense variant. On other transcripts: non-coding transcript variant (2).
Genome position (GRCh38, 1-based): chr5:112,842,048, C>G. VCF-style: chr5-112842048-C-G. GRCh37 (hg19) VCF-style: chr5-112177745-C-G.
Other names: c.6454C>G (NM_000038.5); c.6379C>G, p.Pro2127Ala (NM_001354898.2); c.6370C>G, p.Pro2124Ala (NM_001354899.2); c.6331C>G, p.Pro2111Ala (NM_001354900.2); c.6277C>G, p.Pro2093Ala (NM_001354901.2, NM_001407453.1); c.6181C>G, p.Pro2061Ala (NM_001354902.2); c.6151C>G, p.Pro2051Ala (NM_001354903.2, NM_001407458.1, NM_001407459.1 and 1 more transcripts); c.6076C>G, p.Pro2026Ala (NM_001354904.2); and 12 more; short protein forms P1768A, P1869A, P1992A, P2023A, P2026A, P2051A, P2061A, P2069A.
Identifiers: ClinVar variation 2676898 (VCV002676898.4), dbSNP rs1302886700, ClinGen allele CA16035451.

ClinVar aggregate classification (germline): Uncertain significance. Review status: criteria provided, multiple submitters, no conflicts (2 of 4 stars). 3 submissions from 3 submitters: Uncertain significance (3). Last evaluated 2026-07-06.

Conditions:
Hereditary cancer-predisposing syndrome. Also called: Hereditary neoplastic syndrome; Hereditary Cancer Syndrome; Neoplastic Syndromes, Hereditary; Tumor predisposition. Identifiers: Orphanet 140162, MedGen C0027672, MeSH D009386, MONDO:0015356.
Familial adenomatous polyposis 1 (FAP1). Also called: FAMILIAL ADENOMATOUS POLYPOSIS 1, ATTENUATED; POLYPOSIS, ADENOMATOUS INTESTINAL. Identifiers: MedGen C2713442, MONDO:0021056, OMIM 175100. Disease mechanism: loss of function.

Submissions (3):

Ambry Genetics
Classification: Uncertain significance for Hereditary cancer-predisposing syndrome. Last evaluated: 2026-07-06. Review status: criteria provided, single submitter. Criteria: Ambry Variant Classification Scheme 2023. Collection method: clinical testing. Allele origin: germline.
Comment: The p.P2152A variant (also known as c.6454C>G), located in coding exon 15 of the APC gene, results from a C to G substitution at nucleotide position 6454. The proline at codon 2152 is replaced by alanine, an amino acid with highly similar properties. This amino acid position is conserved. In addition, in silico predictors for this gene do not accurately predict pathogenicity. Based on the available evidence, the clinical significance of this variant remains unclear.

Labcorp Genetics (formerly Invitae), Labcorp
Classification: Uncertain significance for Familial adenomatous polyposis 1. Last evaluated: 2024-12-18. Review status: criteria provided, single submitter. Criteria: Invitae Variant Classification Sherloc (09022015). Collection method: clinical testing. Allele origin: germline.
Comment: This sequence change replaces proline, which is neutral and non-polar, with alanine, which is neutral and non-polar, at codon 2152 of the APC protein (p.Pro2152Ala). This variant is not present in population databases (gnomAD no frequency). This variant has not been reported in the literature in individuals affected with APC-related conditions. ClinVar contains an entry for this variant (Variation ID: 2676898). Invitae Evidence Modeling of protein sequence and biophysical properties (such as structural, functional, and spatial information, amino acid conservation, physicochemical variation, residue mobility, and thermodynamic stability) indicates that this missense variant is not expected to disrupt APC protein function with a negative predictive value of 95%. In summary, the available evidence is currently insufficient to determine the role of this variant in disease. Therefore, it has been classified as a Variant of Uncertain Significance.

Baylor Genetics
Classification: Uncertain significance for Familial adenomatous polyposis 1. Last evaluated: 2023-10-11. Review status: criteria provided, single submitter. Criteria: ACMG Guidelines, 2015. Collection method: clinical testing. Allele origin: unknown.